The following is an entry in ClinVar:

NM_005089.4(ZRSR2):c.930G>T (p.Ala310=)

Gene: ZRSR2 (zinc finger CCCH-type, RNA binding motif and serine/arginine rich 2; plus strand). Cytogenetic location: Xp22.2.
Variant type: single nucleotide variant.
Coding change: c.930G>T on transcript NM_005089.4 (MANE Select); coding-DNA position 930, G replaced by T.
Protein change: p.Ala310=; no amino-acid change (alanine 310 retained).
Molecular consequence: synonymous variant.
Genome position (GRCh38, 1-based): chrX:15,820,309, G>T. VCF-style: chrX-15820309-G-T. GRCh37 (hg19) VCF-style: chrX-15838432-G-T.
Identifiers: ClinVar variation 2660060 (VCV002660060.24), dbSNP rs142064485, ClinGen allele CA10356289.

ClinVar aggregate classification (germline): Likely benign (1 of 4 stars; one submission).

gnomAD v4.1: 1 of 1,206,783 alleles (0.000083%); highest among the groups gnomAD compares: Non-Finnish European, 0.00011%; no homozygotes.

Submission:

CeGaT Center for Human Genetics Tuebingen
Classification: Likely benign. Last evaluated: 2022-09-01. Review status: criteria provided, single submitter. Criteria: CeGaT Center For Human Genetics Tuebingen Variant Classification Criteria Version 2. Collection method: clinical testing. Allele origin: germline. Affected: yes. Observed: 1 variant allele.
Comment: ZRSR2: BP4, BP7